The following is an entry in ClinVar:

ClinVar aggregate classification (germline): Uncertain significance (1 of 4 stars; one submission).

gnomAD v4.1: 4 of 1,614,172 alleles (0.00025%); highest among the groups gnomAD compares: South Asian, 0.0044%; no homozygotes.

Submission:

GeneDx
Classification: Uncertain significance. Last evaluated: 2025-06-06. Review status: criteria provided, single submitter. Criteria: GeneDx Variant Classification Process June 2021. Collection method: clinical testing. Allele origin: germline. Affected: yes.
Comment: Not observed at significant frequency in large population cohorts (gnomAD); In silico analysis suggests that this missense variant does not alter protein structure/function; Has not been previously published as pathogenic or benign to our knowledge

NM_006225.4(PLCD1):c.1502G>A (p.Ser501Asn)

Gene: PLCD1 (phospholipase C delta 1; minus strand). Cytogenetic location: 3p22.2.
Variant type: single nucleotide variant.
Coding change: c.1502G>A on transcript NM_006225.4 (MANE Select); coding-DNA position 1502, G replaced by A.
Protein change: p.Ser501Asn; replaces serine 501 with asparagine.
Molecular consequence: missense variant. On other transcripts: non-coding transcript variant (1).
Genome position (GRCh38, 1-based): chr3:38,009,376, C>T on the plus strand (G>A on the coding strand, the complement: PLCD1 is on the minus strand). VCF-style: chr3-38009376-C-T. GRCh37 (hg19) VCF-style: chr3-38050867-C-T.
Other names: c.1565G>A, p.Ser522Asn (NM_001130964.2); short protein forms S501N, S522N.
Identifiers: ClinVar variation 4536193 (VCV004536193.1).
Genomic context (GRCh38, chr3:38,009,376, plus strand): 5'-GCCATCTCGTAGAAGGCCTGTCCAGGGGTGCCAGGACTGGAGAAGCCCCCAAAGTGGACA[C>T]TCTTGCAGTAAATGACCATGTCAGAGAGCTCCTGTGCTAGCCTGAGCTTGTCCTCCTGGG-3'
Protein context (NP_006216.2, residues 491-511): ELSDMVIYCK[Ser501Asn]VHFGGFSSPG